The following is an entry in ClinVar:

NM_001151.4(SLC25A4):c.742G>A (p.Asp248Asn)

Gene: SLC25A4 (solute carrier family 25 member 4; plus strand). Cytogenetic location: 4q35.1.
Variant type: single nucleotide variant.
Coding change: c.742G>A on transcript NM_001151.4 (MANE Select); coding-DNA position 742, G replaced by A.
Protein change: p.Asp248Asn; replaces aspartic acid 248 with asparagine.
Molecular consequence: missense variant.
Genome position (GRCh38, 1-based): chr4:185,146,816, G>A. VCF-style: chr4-185146816-G-A. GRCh37 (hg19) VCF-style: chr4-186067970-G-A.
Other names: short protein forms D248N.
Identifiers: ClinVar variation 691710 (VCV000691710.8), dbSNP rs755597294, ClinGen allele CA3156585.

ClinVar aggregate classification (germline): Uncertain significance. Review status: criteria provided, multiple submitters, no conflicts (2 of 4 stars). 3 submissions from 3 submitters: Uncertain significance (3). Last evaluated 2025-04-11.

Conditions:
Progressive external ophthalmoplegia with mitochondrial DNA deletions, autosomal dominant 2. Also called: PROGRESSIVE EXTERNAL OPHTHALMOPLEGIA, AUTOSOMAL DOMINANT 2. Identifiers: MedGen C1836460, MONDO:0012238, OMIM 609283.
Restrictive cardiomyopathy. Identifiers: Orphanet 217632, MedGen C0007196, MeSH D002313, MONDO:0005201, HP:0001723.

Allele frequency attached by ClinVar (database versions not stated): gnomAD exomes 0.00002.
gnomAD v4.1: 9 of 1,614,178 alleles (0.00056%); highest among the groups gnomAD compares: South Asian, 0.0044%; no homozygotes.

Submissions (3):

Labcorp Genetics (formerly Invitae), Labcorp
Classification: Uncertain significance. Last evaluated: 2025-04-11. Review status: criteria provided, single submitter. Criteria: Invitae Variant Classification Sherloc (09022015). Collection method: clinical testing. Allele origin: germline.
Comment: This sequence change replaces aspartic acid, which is acidic and polar, with asparagine, which is neutral and polar, at codon 248 of the SLC25A4 protein (p.Asp248Asn). This variant is present in population databases (rs755597294, gnomAD 0.006%). This variant has not been reported in the literature in individuals affected with SLC25A4-related conditions. ClinVar contains an entry for this variant (Variation ID: 691710). An algorithm developed to predict the effect of missense changes on protein structure and function (PolyPhen-2) suggests that this variant is likely to be disruptive. In summary, the available evidence is currently insufficient to determine the role of this variant in disease. Therefore, it has been classified as a Variant of Uncertain Significance.

Centre for Mendelian Genomics, University Medical Centre Ljubljana
Classification: Uncertain significance for Progressive external ophthalmoplegia with mitochondrial DNA deletions, autosomal dominant 2. Last evaluated: 2019-10-01. Review status: criteria provided, single submitter. Criteria: ACMG Guidelines, 2015. Collection method: clinical testing. Allele origin: unknown. Affected: yes.
Comment: This variant was classified as: Uncertain significance. The available evidence on this variant's pathogenicity is insufficient or conflicting. The following ACMG criteria were applied in classifying this variant: PP3.

Center for Advanced Laboratory Medicine, UC San Diego Health, University of California San Diego
Classification: Uncertain significance for Restrictive cardiomyopathy. Last evaluated: 2018-08-13. Review status: criteria provided, single submitter. Criteria: ACMG Guidelines, 2015. Collection method: clinical testing. Allele origin: germline. Affected: yes. Observed: 1 variant allele.